The following is an entry in ClinVar:

NM_001735.3(C5):c.4568C>G (p.Ala1523Gly)

Gene: C5 (complement C5; minus strand). Cytogenetic location: 9q33.2.
Variant type: single nucleotide variant.
Coding change: c.4568C>G on transcript NM_001735.3 (MANE Select); coding-DNA position 4568, C replaced by G.
Protein change: p.Ala1523Gly; replaces alanine 1523 with glycine.
Molecular consequence: missense variant.
Genome position (GRCh38, 1-based): chr9:120,961,502, G>C on the plus strand (C>G on the coding strand, the complement: C5 is on the minus strand). VCF-style: chr9-120961502-G-C. GRCh37 (hg19) VCF-style: chr9-123723780-G-C.
Other names: c.4586C>G, p.Ala1529Gly (NM_001317163.2); short protein forms A1529G, A1523G.
Identifiers: ClinVar variation 1446320 (VCV001446320.8), dbSNP rs2046827149, ClinGen allele CA374743967.

ClinVar aggregate classification (germline): Uncertain significance (1 of 4 stars; one submission).

Allele frequency attached by ClinVar (database versions not stated): gnomAD 0.00001.
gnomAD v4.1: 1 of 1,611,114 alleles (0.000062%); highest among the groups gnomAD compares: Admixed American, 0.0017%; no homozygotes.

Submission:

Labcorp Genetics (formerly Invitae), Labcorp
Classification: Uncertain significance. Last evaluated: 2021-07-06. Review status: criteria provided, single submitter. Criteria: Invitae Variant Classification Sherloc (09022015). Collection method: clinical testing. Allele origin: germline.
Comment: This sequence change replaces alanine with glycine at codon 1523 of the C5 protein (p.Ala1523Gly). The alanine residue is weakly conserved and there is a small physicochemical difference between alanine and glycine. This variant is not present in population databases (ExAC no frequency). This variant has not been reported in the literature in individuals affected with C5-related conditions. Algorithms developed to predict the effect of missense changes on protein structure and function (SIFT, PolyPhen-2, Align-GVGD) all suggest that this variant is likely to be tolerated. In summary, the available evidence is currently insufficient to determine the role of this variant in disease. Therefore, it has been classified as a Variant of Uncertain Significance.